The following is an entry in ClinVar:

NM_194454.3(KRIT1):c.1107_1109delinsCA (p.Glu369fs)

Gene: KRIT1 (KRIT1 ankyrin repeat containing; minus strand). Cytogenetic location: 7q21.2.
Variant type: Indel.
Coding change: c.1107_1109delinsCA on transcript NM_194454.3 (MANE Select); coding-DNA positions 1107 to 1109, AAT replaced by CA.
Protein change: p.Glu369fs; shifts the reading frame from glutamic acid 369.
Molecular consequence: frameshift variant.
Genome position (GRCh38, 1-based): chr7:92,226,563-92,226,565, ATT replaced by TG on the plus strand (AAT replaced by CA on the coding strand, the reverse complement: KRIT1 is on the minus strand). VCF-style: chr7-92226563-ATT-TG. GRCh37 (hg19) VCF-style: chr7-91855877-ATT-TG.
Other names: p.Glu369Aspfs*7; c.963_965delinsCA, p.Glu321fs (NM_001013406.2, NM_001350669.1, NM_001350670.1); c.393_395delinsCA, p.Glu131fs (NM_001350671.1); c.1107_1109delinsCA, p.Glu369fs (NM_001350672.1, NM_001350673.1, NM_001350674.1 and 26 more transcripts); short protein forms E321fs, E369fs, E131fs.
Identifiers: ClinVar variation 968653 (VCV000968653.7), dbSNP rs1796247872, ClinGen allele CA1139660117.
Genomic context (GRCh38, chr7:92,226,563, plus strand): 5'-TAAAAACCTGGAAAATAACTTACTCTATCCGTTTCTGGGTGGTTTAGGAGAATCTGTACT[ATT>TG]TCAGCATGTCCTCCTCCAGCAGCAAAATGAAGAGGAGAACTAAGTTGTCCATTTAAAAGG-3'

ClinVar aggregate classification (germline): Pathogenic. Review status: criteria provided, multiple submitters, no conflicts (2 of 4 stars). 2 submissions from 2 submitters: Pathogenic (2). Last evaluated 2023-04-04.

Conditions:
Cerebral cavernous malformation (CCM). Also called: CAVERNOUS ANGIOMA, FAMILIAL; CAVERNOUS ANGIOMATOUS MALFORMATIONS; CEREBRAL CAPILLARY MALFORMATIONS; Cerebral cavernous hemangioma (type); Cavernous Hemangioma of Brain; Cerebral cavernous malformations. Identifiers: Orphanet 221061, MedGen C2919945, MONDO:0000820, OMIM 116860, HP:0033522.

Submissions (2):

Mayo Clinic Laboratories, Mayo Clinic
Classification: Pathogenic. Last evaluated: 2023-04-04. Review status: criteria provided, single submitter. Criteria: ACMG Guidelines, 2015. Collection method: clinical testing. Allele origin: germline. Observed: 1 variant allele.
Comment: PP4, PM2_supporting, PVS1

Labcorp Genetics (formerly Invitae), Labcorp
Classification: Pathogenic for Cerebral cavernous malformation. Last evaluated: 2023-01-20. Review status: criteria provided, single submitter. Criteria: Invitae Variant Classification Sherloc (09022015). Collection method: clinical testing. Allele origin: germline.
Comment: For these reasons, this variant has been classified as Pathogenic. This variant has not been reported in the literature in individuals affected with KRIT1-related conditions. This variant is present in population databases (no rsID available, gnomAD 0.007%). This sequence change creates a premature translational stop signal (p.Glu369Aspfs*7) in the KRIT1 gene. It is expected to result in an absent or disrupted protein product. Loss-of-function variants in KRIT1 are known to be pathogenic (PMID: 10508515, 11222804, 12404106, 24689081).

Literature cited by the submitters: PubMed 10508515 (cited by Labcorp Genetics (formerly Invitae), Labcorp); PubMed 11222804 (cited by Labcorp Genetics (formerly Invitae), Labcorp); PubMed 12404106 (cited by Labcorp Genetics (formerly Invitae), Labcorp); PubMed 24689081 (cited by Labcorp Genetics (formerly Invitae), Labcorp).